The following is an entry in ClinVar:

NM_001355436.2(SPTB):c.3805del (p.Leu1269fs)

Gene: SPTB (spectrin beta, erythrocytic; minus strand). Cytogenetic location: 14q23.3.
Variant type: Deletion.
Coding change: c.3805del on transcript NM_001355436.2 (MANE Select); coding-DNA position 3805, one base deleted (C; older notation c.3805delC).
Protein change: p.Leu1269fs; shifts the reading frame from leucine 1269.
Molecular consequence: frameshift variant.
Genome position (GRCh38, 1-based): chr14:64,785,587, G deleted on the plus strand (C on the coding strand, the reverse complement: SPTB is on the minus strand); the first of 2 consecutive G bases (chr14:64,785,587-64,785,588); deleting either gives the same sequence. VCF-style (leftmost placement, unchanged base first): chr14-64785586-AG-A. GRCh37 (hg19) VCF-style: chr14-65252304-AG-A.
Other names: c.3805del, p.Leu1269fs (NM_001024858.4, NM_001355437.2); short protein forms L1269fs.
Identifiers: ClinVar variation 4685963 (VCV004685963.1).
Genomic context (GRCh38, chr14:64,785,586, plus strand): 5'-TGGAGCCTCACCTCCTGGCAGTTCTGGAGGAAGTTCTGTAGCTCCAGGTTGTCTCTCAGT[AG>A]GACAGAGGCCTCCTGGGCCTTCTCGTTGTTCTTCCTGTGCCTGGAAAGGAAGCCAAAAGC-3'

ClinVar aggregate classification (germline): Pathogenic (1 of 4 stars; one submission).

Submission:

ARUP Laboratories, Molecular Genetics and Genomics, ARUP Laboratories
Classification: Pathogenic. Last evaluated: 2025-07-17. Review status: criteria provided, single submitter. Criteria: ARUP Molecular Germline Variant Investigation Process 2024. Collection method: clinical testing. Allele origin: germline.
Comment: The SPTB c.3805del; p.Leu1269TyrfsTer2 variant, to our knowledge, is not reported in the medical literature or gene specific databases. This variant is also absent from the Genome Aggregation Database (v2.1.1), indicating it is not a common polymorphism. This variant causes a frameshift by deleting a single nucleotide, so it is predicted to result in a truncated protein or mRNA subject to nonsense-mediated decay. Based on available information, this variant is considered to be pathogenic.